The following is an entry in ClinVar:

NM_032578.4(MYPN):c.3494-219A>T

Gene: MYPN (myopalladin; plus strand). Cytogenetic location: 10q21.3.
Variant type: single nucleotide variant.
Coding change: c.3494-219A>T on transcript NM_032578.4 (MANE Select); 219 bases into the intron before coding-DNA position 3494, A replaced by T.
Molecular consequence: intron variant.
Genome position (GRCh38, 1-based): chr10:68,201,610, A>T. VCF-style: chr10-68201610-A-T. GRCh37 (hg19) VCF-style: chr10-69961367-A-T.
Other names: c.3494-219A>T (NM_001256267.2); c.2612-219A>T (NM_001256268.2).
Identifiers: ClinVar variation 672873 (VCV000672873.1), dbSNP rs2490935, ClinGen allele CA13291595.

ClinVar aggregate classification (germline): Benign (1 of 4 stars; one submission).

Allele frequency attached by ClinVar (database versions not stated): 1000 Genomes Project 30x 0.99984; gnomAD 0.99997; 1000 Genomes Project 1.00000.
gnomAD v4.1: 152,010 of 152,014 alleles (100%); highest among the groups gnomAD compares: Middle Eastern, 100%; 76,003 homozygotes.

Submission:

GeneDx
Classification: Benign. Last evaluated: 2018-06-14. Review status: criteria provided, single submitter. Criteria: GeneDx Variant Classification (06012015). Collection method: clinical testing. Allele origin: germline. Affected: yes.
Comment: This variant is considered likely benign or benign based on one or more of the following criteria: it is a conservative change, it occurs at a poorly conserved position in the protein, it is predicted to be benign by multiple in silico algorithms, and/or has population frequency not consistent with disease.